The following is an entry in ClinVar:

NM_000899.5(KITLG):c.519A>G (p.Lys173=)

Gene: KITLG (KIT ligand; minus strand). Cytogenetic location: 12q21.32.
Variant type: single nucleotide variant.
Coding change: c.519A>G on transcript NM_000899.5 (MANE Select); coding-DNA position 519, A replaced by G.
Protein change: p.Lys173=; no amino-acid change (lysine 173 retained).
Molecular consequence: synonymous variant.
Genome position (GRCh38, 1-based): chr12:88,516,335, T>C on the plus strand (A>G on the coding strand, the complement: KITLG is on the minus strand). VCF-style: chr12-88516335-T-C. GRCh37 (hg19) VCF-style: chr12-88910112-T-C.
Other names: c.519A>G, p.Lys173= (NM_003994.6).
Identifiers: ClinVar variation 1426284 (VCV001426284.6), dbSNP rs2120834611, ClinGen allele CA481136403.

ClinVar aggregate classification (germline): Uncertain significance (1 of 4 stars; one submission).

Submission:

Labcorp Genetics (formerly Invitae), Labcorp
Classification: Uncertain significance. Last evaluated: 2021-11-15. Review status: criteria provided, single submitter. Criteria: Invitae Variant Classification Sherloc (09022015). Collection method: clinical testing. Allele origin: germline.
Comment: This sequence change affects codon 173 of the KITLG mRNA. It is a 'silent' change, meaning that it does not change the encoded amino acid sequence of the KITLG protein. It affects a nucleotide within the consensus splice site. This variant is not present in population databases (gnomAD no frequency). This variant has not been reported in the literature in individuals affected with KITLG-related conditions. Algorithms developed to predict the effect of sequence changes on RNA splicing suggest that this variant is not likely to affect RNA splicing. In summary, the available evidence is currently insufficient to determine the role of this variant in disease. Therefore, it has been classified as a Variant of Uncertain Significance.